The following is an entry in ClinVar:

NM_005859.5(PURA):c.434G>C (p.Ser145Thr)

Genes: PURA (purine rich element binding protein A; plus strand), LOC129994826 (ATAC-STARR-seq lymphoblastoid active region 23260; plus strand). Cytogenetic location: 5q31.3.
Variant type: single nucleotide variant.
Coding change: c.434G>C on transcript NM_005859.5 (MANE Select); coding-DNA position 434, G replaced by C.
Protein change: p.Ser145Thr; replaces serine 145 with threonine.
Molecular consequence: missense variant.
Genome position (GRCh38, 1-based): chr5:140,114,615, G>C. VCF-style: chr5-140114615-G-C. GRCh37 (hg19) VCF-style: chr5-139494200-G-C.
Other names: short protein forms S145T.
Identifiers: ClinVar variation 4709797 (VCV004709797.1).
Genomic context (GRCh38, chr5:140,114,615, plus strand): 5'-GCCCCAGCCAGCCGCCGGACCTGGCCCAGGCGCAGGACGAGCCGCGCCGGGCGCTCAAAA[G>C]CGAGTTCCTGGTGCGCGAGAACCGCAAGTACTACATGGATCTCAAGGAGAACCAGCGCGG-3'
Protein context (NP_005850.1, residues 135-155): AQDEPRRALK[Ser145Thr]EFLVRENRKY

ClinVar aggregate classification (germline): Uncertain significance (1 of 4 stars; one submission).

Conditions:
PURA-related severe neonatal hypotonia-seizures-encephalopathy syndrome (NEDRIHF). Also called: PURA-Related Neurodevelopmental Disorders; NEURODEVELOPMENTAL DISORDER WITH NEONATAL RESPIRATORY INSUFFICIENCY, HYPOTONIA, AND FEEDING DIFFICULTIES. Identifiers: Orphanet 438213, Orphanet 438216, MedGen C4015357, MONDO:1060108, OMIM 616158, MONDO:0018580.

gnomAD v4.1: 4 of 1,608,450 alleles (0.00025%); highest among the groups gnomAD compares: Non-Finnish European, 0.00034%; no homozygotes.

Submission:

Labcorp Genetics (formerly Invitae), Labcorp
Classification: Uncertain significance for PURA-related severe neonatal hypotonia-seizures-encephalopathy syndrome. Last evaluated: 2025-02-26. Review status: criteria provided, single submitter. Criteria: Invitae Variant Classification Sherloc (09022015). Collection method: clinical testing. Allele origin: germline.
Comment: This sequence change replaces serine, which is neutral and polar, with threonine, which is neutral and polar, at codon 145 of the PURA protein (p.Ser145Thr). This variant is not present in population databases (gnomAD no frequency). This variant has not been reported in the literature in individuals affected with PURA-related conditions. Invitae Evidence Modeling of protein sequence and biophysical properties (such as structural, functional, and spatial information, amino acid conservation, physicochemical variation, residue mobility, and thermodynamic stability) indicates that this missense variant is not expected to disrupt PURA protein function with a negative predictive value of 95%. In summary, the available evidence is currently insufficient to determine the role of this variant in disease. Therefore, it has been classified as a Variant of Uncertain Significance.